The following is an entry in ClinVar:

ClinVar aggregate classification (germline): Uncertain significance (1 of 4 stars; one submission).

Conditions:
Autosomal recessive nonsyndromic hearing loss 3. Also called: NEUROSENSORY NONSYNDROMIC RECESSIVE DEAFNESS 3. Identifiers: Orphanet 90636, MedGen C1838263, MONDO:0010860, OMIM 600316.

Submission:

ARUP Laboratories, Molecular Genetics and Genomics, ARUP Laboratories
Classification: Uncertain significance for Autosomal recessive nonsyndromic hearing loss 3. Last evaluated: 2018-10-15. Review status: criteria provided, single submitter. Criteria: ARUP Molecular Germline Variant Investigation Process. Collection method: clinical testing. Allele origin: germline.
Comment: The p.Cys2184Arg variant has not been reported in the medical literature, is not listed in gene-specific variant databases, nor has it been previously identified in our laboratory. It is also absent from population databases such as 1000 Genomes, the NHLBI GO Exome Sequencing Project (ESP), and the Genome Aggregation Database (gnomAD) browser. The cysteine at codon 2184 is highly conserved considering 11 species up to Cow (Alamut software v2.9), and computational analyses suggest this variant has a significant effect on MYO15A protein structure/function (SIFT: damaging, PolyPhen2: damaging, and Mutation Taster: disease causing). However, based on the available information, the clinical significance of the p.Cys2184Arg variant cannot be determined with certainty.

NM_016239.4(MYO15A):c.6550T>C (p.Cys2184Arg)

Gene: MYO15A (myosin XVA; plus strand). Cytogenetic location: 17p11.2.
Variant type: single nucleotide variant.
Coding change: c.6550T>C on transcript NM_016239.4 (MANE Select); coding-DNA position 6550, T replaced by C.
Protein change: p.Cys2184Arg; replaces cysteine 2184 with arginine.
Molecular consequence: missense variant.
Genome position (GRCh38, 1-based): chr17:18,148,069, T>C. VCF-style: chr17-18148069-T-C. GRCh37 (hg19) VCF-style: chr17-18051383-T-C.
Other names: short protein forms C2184R.
Identifiers: ClinVar variation 618236 (VCV000618236.9), dbSNP rs1567649779, ClinGen allele CA398609900.